The following is an entry in ClinVar:

NM_013276.4(SHPK):c.39dup (p.Thr14fs)

Gene: SHPK (sedoheptulokinase; minus strand). Cytogenetic location: 17p13.2.
Variant type: Duplication.
Coding change: c.39dup on transcript NM_013276.4 (MANE Select); coding-DNA position 39, one base duplicated (C; older notation c.39dupC).
Protein change: p.Thr14fs; shifts the reading frame from threonine 14.
Molecular consequence: frameshift variant.
Genome position (GRCh38, 1-based): chr17:3,636,181, G duplicated on the plus strand (C on the coding strand, the reverse complement: SHPK is on the minus strand). VCF-style (leftmost placement, unchanged base first): chr17-3636180-T-TG. GRCh37 (hg19) VCF-style: chr17-3539474-T-TG.
Other names: short protein forms T14fs.
Identifiers: ClinVar variation 2199220 (VCV002199220.4), dbSNP rs759084040, ClinGen allele CA8291466.

ClinVar aggregate classification (germline): Uncertain significance (1 of 4 stars; one submission).

Allele frequency attached by ClinVar (database versions not stated): gnomAD 0.00001; gnomAD exomes 0.00001; ExAC 0.00003.

Submission:

Labcorp Genetics (formerly Invitae), Labcorp
Classification: Uncertain significance. Last evaluated: 2022-06-14. Review status: criteria provided, single submitter. Criteria: Invitae Variant Classification Sherloc (09022015). Collection method: clinical testing. Allele origin: germline.
Comment: This variant has not been reported in the literature in individuals affected with SHPK-related conditions. This sequence change creates a premature translational stop signal (p.Thr14Hisfs*51) in the SHPK gene. It is expected to result in an absent or disrupted protein product. However, the current clinical and genetic evidence is not sufficient to establish whether loss-of-function variants in SHPK cause disease. This variant is present in population databases (rs759084040, gnomAD 0.003%). In summary, the available evidence is currently insufficient to determine the role of this variant in disease. Therefore, it has been classified as a Variant of Uncertain Significance.